The following is an entry in ClinVar:

NM_001135651.3(EIF2AK2):c.517-10T>G

Gene: EIF2AK2 (eukaryotic translation initiation factor 2 alpha kinase 2; minus strand). Cytogenetic location: 2p22.2.
Variant type: single nucleotide variant.
Coding change: c.517-10T>G on transcript NM_001135651.3 (MANE Select); 10 bases into the intron before coding-DNA position 517, T replaced by G.
Molecular consequence: intron variant.
Genome position (GRCh38, 1-based): chr2:37,138,595, A>C on the plus strand (T>G on the coding strand, the complement: EIF2AK2 is on the minus strand). VCF-style: chr2-37138595-A-C. GRCh37 (hg19) VCF-style: chr2-37365738-A-C.
Other names: c.517-10T>G (NM_002759.4, NM_001135652.2).
Identifiers: ClinVar variation 3253536 (VCV003253536.1), dbSNP rs2465337124.

ClinVar aggregate classification (germline): Uncertain significance (1 of 4 stars; one submission).

Allele frequency attached by ClinVar (database versions not stated): gnomAD exomes below 0.00001.
gnomAD v4.1: 1 of 1,613,794 alleles (0.000062%); highest among the groups gnomAD compares: African/African-American, 0.0013%; no homozygotes.

Submission:

GeneDx
Classification: Uncertain significance. Last evaluated: 2023-08-28. Review status: criteria provided, single submitter. Criteria: GeneDx Variant Classification Process June 2021. Collection method: clinical testing. Allele origin: germline. Affected: yes.
Comment: Not observed at significant frequency in large population cohorts (gnomAD); Has not been previously published as pathogenic or benign to our knowledge; In silico analysis is inconclusive as to whether the variant alters gene splicing. In the absence of RNA/functional studies, the actual effect of this sequence change is unknown.